The following is an entry in ClinVar:

ClinVar aggregate classification (germline): Uncertain significance (1 of 4 stars; one submission).

Conditions:
Jeune thoracic dystrophy. Also called: Jeune syndrome; Infantile thoracic dystrophy; Thoracic pelvic phalangeal dystrophy; Jeune's syndrome; Chondroectodermal dysplasia-like syndrome; Short-rib thoracic dysplasia. Identifiers: Orphanet 474, MedGen C0265275, MONDO:0018770.

Allele frequency attached by ClinVar (database versions not stated): gnomAD 0.00001.
gnomAD v4.1: 2 of 1,591,818 alleles (0.00013%); highest among the groups gnomAD compares: African/African-American, 0.0027%; no homozygotes.

Submission:

Labcorp Genetics (formerly Invitae), Labcorp
Classification: Uncertain significance for Jeune thoracic dystrophy. Last evaluated: 2022-07-05. Review status: criteria provided, single submitter. Criteria: Invitae Variant Classification Sherloc (09022015). Collection method: clinical testing. Allele origin: germline.
Comment: In summary, the available evidence is currently insufficient to determine the role of this variant in disease. Therefore, it has been classified as a Variant of Uncertain Significance. Advanced modeling of protein sequence and biophysical properties (such as structural, functional, and spatial information, amino acid conservation, physicochemical variation, residue mobility, and thermodynamic stability) performed at Invitae indicates that this missense variant is not expected to disrupt DYNC2H1 protein function. ClinVar contains an entry for this variant (Variation ID: 1446333). This variant has not been reported in the literature in individuals affected with DYNC2H1-related conditions. This variant is not present in population databases (gnomAD no frequency). This sequence change replaces valine, which is neutral and non-polar, with leucine, which is neutral and non-polar, at codon 1712 of the DYNC2H1 protein (p.Val1712Leu).

NM_001377.3(DYNC2H1):c.5134G>C (p.Val1712Leu)

Gene: DYNC2H1 (dynein cytoplasmic 2 heavy chain 1; plus strand). Cytogenetic location: 11q22.3.
Variant type: single nucleotide variant.
Coding change: c.5134G>C on transcript NM_001377.3 (MANE Select); coding-DNA position 5134, G replaced by C.
Protein change: p.Val1712Leu; replaces valine 1712 with leucine.
Molecular consequence: missense variant.
Genome position (GRCh38, 1-based): chr11:103,170,273, G>C. VCF-style: chr11-103170273-G-C. GRCh37 (hg19) VCF-style: chr11-103041002-G-C.
Other names: c.5134G>C, p.Val1712Leu (NM_001080463.2); short protein forms V1712L.
Identifiers: ClinVar variation 1446333 (VCV001446333.6), dbSNP rs1861515366, ClinGen allele CA382241428.